The following is an entry in ClinVar:

ClinVar aggregate classification (germline): Uncertain significance (1 of 4 stars; one submission).

Conditions:
Hereditary cancer-predisposing syndrome. Also called: Neoplastic Syndromes, Hereditary; Tumor predisposition; Hereditary Cancer Syndrome; Hereditary neoplastic syndrome. Identifiers: Orphanet 140162, MedGen C0027672, MeSH D009386, MONDO:0015356.

gnomAD v4.1: 1 of 1,609,270 alleles (0.000062%); highest among the groups gnomAD compares: Non-Finnish European, 0.000085%; no homozygotes.

Submission:

Ambry Genetics
Classification: Uncertain significance for Hereditary cancer-predisposing syndrome. Last evaluated: 2025-08-14. Review status: criteria provided, single submitter. Criteria: Ambry Variant Classification Scheme 2023. Collection method: clinical testing. Allele origin: germline.
Comment: The p.Q22H variant (also known as c.66A>T), located in coding exon 1 of the BMPR1A gene, results from an A to T substitution at nucleotide position 66. The glutamine at codon 22 is replaced by histidine, an amino acid with highly similar properties. This amino acid position is conserved. In addition, this alteration is predicted to be tolerated by in silico analysis. Based on the available evidence, the clinical significance of this variant remains unclear.

NM_004329.3(BMPR1A):c.66A>T (p.Gln22His)

Gene: BMPR1A (bone morphogenetic protein receptor type 1A; plus strand). Cytogenetic location: 10q23.2.
Variant type: single nucleotide variant.
Coding change: c.66A>T on transcript NM_004329.3 (MANE Select); coding-DNA position 66, A replaced by T.
Protein change: p.Gln22His; replaces glutamine 22 with histidine.
Molecular consequence: missense variant. On other transcripts: 5 prime UTR variant (1), non-coding transcript variant (3), intron variant (4).
Genome position (GRCh38, 1-based): chr10:86,876,084, A>T. VCF-style: chr10-86876084-A-T. GRCh37 (hg19) VCF-style: chr10-88635841-A-T.
Other names: c.66A>T, p.Gln22His (NM_001406562.1, NM_001406563.1, NM_001406564.1 and 23 more transcripts); c.-14A>T (NM_001406588.1); c.-17-13978A>T (NM_001406584.1, NM_001406587.1, NM_001406585.1); c.-12-13983A>T (NM_001406586.1); short protein forms Q22H.
Identifiers: ClinVar variation 4214379 (VCV004214379.1).